The following is an entry in ClinVar:

ClinVar aggregate classification (germline): Uncertain significance (1 of 4 stars; one submission).

Conditions:
Combined immunodeficiency due to DOCK8 deficiency (HIES2). Also called: Hyper-IgE recurrent infection syndrome, autosomal recessive; DOCK8 Deficiency; HIES autosomal recessive; HYPER-IgE RECURRENT INFECTION SYNDROME 2, AUTOSOMAL RECESSIVE; HYPER-IgE SYNDROME 2, AUTOSOMAL RECESSIVE, WITH RECURRENT INFECTIONS. Identifiers: Orphanet 217390, MedGen C4722305, MONDO:0009478, OMIM 243700.

Submission:

Labcorp Genetics (formerly Invitae), Labcorp
Classification: Uncertain significance for Combined immunodeficiency due to DOCK8 deficiency. Last evaluated: 2020-10-28. Review status: criteria provided, single submitter. Criteria: Invitae Variant Classification Sherloc (09022015). Collection method: clinical testing. Allele origin: germline.
Comment: This variant results in a copy number gain of the genomic region encompassing exon(s) 47-48 of the DOCK8 gene. The 5' boundary is likely confined to intron 46. The 3' end of this event is unknown as it extends beyond the assayed region for this gene and therefore may encompass additional genes. As the precise location of this event is unknown, it may be in tandem or it may be located elsewhere in the genome. This variant has not been reported in the literature in individuals with DOCK8-related conditions. Experimental studies and prediction algorithms are not available or were not evaluated, and the functional significance of this variant is currently unknown. In summary, the available evidence is currently insufficient to determine the role of this variant in disease. Therefore, it has been classified as a Variant of Uncertain Significance.

NC_000009.11:g.(?_463497)_(464219_?)dup

Gene: DOCK8 (dedicator of cytokinesis 8; plus strand). Cytogenetic location: 9p24.3.
Variant type: Duplication.
Identifiers: ClinVar variation 1016389 (VCV001016389.1).